The following is an entry in ClinVar:

ClinVar aggregate classification (germline): Uncertain significance. Review status: criteria provided, multiple submitters, no conflicts (2 of 4 stars). 2 submissions from 2 submitters: Uncertain significance (2). Last evaluated 2025-02-09.

Conditions:
Inborn genetic diseases. Identifiers: MedGen C0950123, MeSH D030342.

gnomAD v4.1: 6 of 1,613,940 alleles (0.00037%); highest among the groups gnomAD compares: Non-Finnish European, 0.00042%; no homozygotes.

Submissions (2):

Ambry Genetics
Classification: Uncertain significance for Inborn genetic diseases. Last evaluated: 2025-02-09. Review status: criteria provided, single submitter. Criteria: Ambry Variant Classification Scheme 2023. Collection method: clinical testing. Allele origin: germline.
Comment: The p.A442S variant (also known as c.1324G>T), located in coding exon 1 of the SAMD9L gene, results from a G to T substitution at nucleotide position 1324. The alanine at codon 442 is replaced by serine, an amino acid with similar properties. This amino acid position is conserved. In addition, this alteration is predicted to be tolerated by in silico analysis. Based on the available evidence, the clinical significance of this variant remains unclear.

Labcorp Genetics (formerly Invitae), Labcorp
Classification: Uncertain significance. Last evaluated: 2024-06-23. Review status: criteria provided, single submitter. Criteria: Invitae Variant Classification Sherloc (09022015). Collection method: clinical testing. Allele origin: germline.
Comment: This sequence change replaces alanine, which is neutral and non-polar, with serine, which is neutral and polar, at codon 442 of the SAMD9L protein (p.Ala442Ser). This variant is not present in population databases (gnomAD no frequency). This variant has not been reported in the literature in individuals affected with SAMD9L-related conditions. Algorithms developed to predict the effect of missense changes on protein structure and function output the following: SIFT: "Not Available"; PolyPhen-2: "Possibly Damaging"; Align-GVGD: "Not Available". The serine amino acid residue is found in multiple mammalian species, which suggests that this missense change does not adversely affect protein function. In summary, the available evidence is currently insufficient to determine the role of this variant in disease. Therefore, it has been classified as a Variant of Uncertain Significance.

NM_152703.5(SAMD9L):c.1324G>T (p.Ala442Ser)

Gene: SAMD9L (sterile alpha motif domain containing 9 like; minus strand). Cytogenetic location: 7q21.2.
Variant type: single nucleotide variant.
Coding change: c.1324G>T on transcript NM_152703.5 (MANE Select); coding-DNA position 1324, G replaced by T.
Protein change: p.Ala442Ser; replaces alanine 442 with serine.
Molecular consequence: missense variant.
Genome position (GRCh38, 1-based): chr7:93,134,648, C>A on the plus strand (G>T on the coding strand, the complement: SAMD9L is on the minus strand). VCF-style: chr7-93134648-C-A. GRCh37 (hg19) VCF-style: chr7-92763961-C-A.
Other names: c.1324G>T, p.Ala442Ser (NM_001303496.3, NM_001303497.3, NM_001303498.3 and 5 more transcripts); c.1324G>T (NM_152703.2); short protein forms A442S.
Identifiers: ClinVar variation 3687569 (VCV003687569.3).